The following is an entry in ClinVar:

ClinVar aggregate classification (germline): Pathogenic (1 of 4 stars; one submission).

Conditions:
Primary ciliary dyskinesia. Also called: Ciliary dyskinesia. Identifiers: Orphanet 244, MedGen C0008780, MONDO:0016575, HP:0012265.

Allele frequency attached by ClinVar (database versions not stated): ExAC 0.00002; gnomAD exomes 0.00002; TOPMed 0.00001.
gnomAD v4.1: 20 of 1,613,410 alleles (0.0012%); highest among the groups gnomAD compares: Admixed American, 0.0017%; no homozygotes.

Submission:

Labcorp Genetics (formerly Invitae), Labcorp
Classification: Pathogenic for Primary ciliary dyskinesia. Last evaluated: 2024-10-20. Review status: criteria provided, single submitter. Criteria: Invitae Variant Classification Sherloc (09022015). Collection method: clinical testing. Allele origin: germline.
Comment: This sequence change creates a premature translational stop signal (p.Arg3027*) in the DNAH8 gene. It is expected to result in an absent or disrupted protein product. Loss-of-function variants in DNAH8 are known to be pathogenic (PMID: 24307375, 32619401, 32681648). This variant is present in population databases (rs747550558, gnomAD 0.003%). This variant has not been reported in the literature in individuals affected with DNAH8-related conditions. ClinVar contains an entry for this variant (Variation ID: 968024). For these reasons, this variant has been classified as Pathogenic.

Literature cited by the submitters: PubMed 24307375; PubMed 32619401; PubMed 32681648.

NM_001206927.2(DNAH8):c.9079C>T (p.Arg3027Ter)

Gene: DNAH8 (dynein axonemal heavy chain 8; plus strand). Cytogenetic location: 6p21.2.
Variant type: single nucleotide variant.
Coding change: c.9079C>T on transcript NM_001206927.2 (MANE Select); coding-DNA position 9079, C replaced by T.
Protein change: p.Arg3027Ter; replaces arginine 3027 with a stop codon.
Molecular consequence: nonsense.
Genome position (GRCh38, 1-based): chr6:38,899,791, C>T. VCF-style: chr6-38899791-C-T. GRCh37 (hg19) VCF-style: chr6-38867567-C-T.
Other names: c.8428C>T, p.Arg2810Ter (NM_001371.4); short protein forms R2810*, R3027*.
Identifiers: ClinVar variation 968024 (VCV000968024.8), dbSNP rs747550558, ClinGen allele CA3790390.